The following is an entry in ClinVar:

NM_014996.4(PLCH1):c.4217G>A (p.Arg1406His)

Gene: PLCH1 (phospholipase C eta 1; minus strand). Cytogenetic location: 3q25.31.
Variant type: single nucleotide variant.
Coding change: c.4217G>A on transcript NM_014996.4 (MANE Select); coding-DNA position 4217, G replaced by A.
Protein change: p.Arg1406His; replaces arginine 1406 with histidine.
Molecular consequence: missense variant. On other transcripts: 3 prime UTR variant (3).
Genome position (GRCh38, 1-based): chr3:155,481,809, C>T on the plus strand (G>A on the coding strand, the complement: PLCH1 is on the minus strand). VCF-style: chr3-155481809-C-T. GRCh37 (hg19) VCF-style: chr3-155199598-C-T.
Other names: c.4241G>A, p.Arg1414His (NM_001130960.2); c.*1260G>A (NM_001130961.2); c.*1257G>A (NM_001349250.2, NM_001349252.2); c.4214G>A, p.Arg1405His (NM_001349251.2); short protein forms R1405H, R1406H, R1414H.
Identifiers: ClinVar variation 4820693 (VCV004820693.4).

ClinVar aggregate classification (germline): Likely benign (1 of 4 stars; one submission).

gnomAD v4.1: 6,513 of 1,614,064 alleles (0.4%); highest among the groups gnomAD compares: Non-Finnish European, 0.49%; 22 homozygotes.

Submission:

CeGaT Center for Human Genetics Tuebingen
Classification: Likely benign. Last evaluated: 2026-04-01. Review status: criteria provided, single submitter. Criteria: CeGaT Center For Human Genetics Tuebingen Variant Classification Criteria Version 2. Collection method: clinical testing. Allele origin: germline. Affected: yes. Observed: 2 variant alleles.
Comment: PLCH1: BP4, BS2